The following is an entry in ClinVar:

NM_001283009.2(RTEL1):c.2291C>T (p.Thr764Ile)

Genes: RTEL1-TNFRSF6B (RTEL1-TNFRSF6B readthrough (NMD candidate); plus strand), RTEL1 (regulator of telomere elongation helicase 1; plus strand). Cytogenetic location: 20q13.33.
Variant type: single nucleotide variant.
Coding change: c.2291C>T on transcript NM_001283009.2 (MANE Select); coding-DNA position 2291, C replaced by T.
Protein change: p.Thr764Ile; replaces threonine 764 with isoleucine.
Molecular consequence: missense variant. On other transcripts: non-coding transcript variant (1).
Genome position (GRCh38, 1-based): chr20:63,690,319, C>T. VCF-style: chr20-63690319-C-T. GRCh37 (hg19) VCF-style: chr20-62321672-C-T.
Other names: c.1622C>T, p.Thr541Ile (NM_001283010.1); c.2291C>T, p.Thr764Ile (NM_016434.4); c.2363C>T, p.Thr788Ile (NM_032957.5); short protein forms T541I, T764I, T788I.
Identifiers: ClinVar variation 1005808 (VCV001005808.10), dbSNP rs767774517, ClinGen allele CA9965275.

ClinVar aggregate classification (germline): Uncertain significance. Review status: criteria provided, single submitter (1 of 4 stars). 2 submissions from 2 submitters: Uncertain significance (1). 1 of the submissions does not count toward it. Last evaluated 2020-06-22.

Conditions:
Pulmonary fibrosis and/or bone marrow failure, Telomere-related, 3. Also called: PULMONARY FIBROSIS AND/OR BONE MARROW FAILURE SYNDROME, TELOMERE-RELATED, 3. Identifiers: Orphanet 2032, MedGen C4225346, MONDO:0014613, OMIM 616373.
Dyskeratosis congenita, autosomal recessive 5 (DKCB5). Identifiers: MedGen C3554656, MONDO:0014076, OMIM 615190.
Dyskeratosis congenita. Identifiers: Orphanet 1775, MedGen C0265965, MONDO:0015780.

gnomAD v4.1: 1 of 1,609,608 alleles (0.000062%); highest among the groups gnomAD compares: South Asian, 0.0011%; no homozygotes.

Submissions (2):

Labcorp Genetics (formerly Invitae), Labcorp
Classification: Uncertain significance for Dyskeratosis congenita, autosomal recessive 5; Pulmonary fibrosis and/or bone marrow failure, Telomere-related, 3. Last evaluated: 2020-06-22. Review status: criteria provided, single submitter. Criteria: Invitae Variant Classification Sherloc (09022015). Collection method: clinical testing. Allele origin: germline.
Comment: In summary, the available evidence is currently insufficient to determine the role of this variant in disease. Therefore, it has been classified as a Variant of Uncertain Significance. Algorithms developed to predict the effect of missense changes on protein structure and function (SIFT, PolyPhen-2, Align-GVGD) all suggest that this variant is likely to be tolerated, but these predictions have not been confirmed by published functional studies and their clinical significance is uncertain. This variant has not been reported in the literature in individuals with RTEL1-related conditions. This variant is present in population databases (rs767774517, ExAC 0.006%). This sequence change replaces threonine with isoleucine at codon 764 of the RTEL1 protein (p.Thr764Ile). The threonine residue is weakly conserved and there is a moderate physicochemical difference between threonine and isoleucine.

Natera, Inc.
Classification: Uncertain significance for Dyskeratosis congenita. Last evaluated: 2021-05-31. Review status: no assertion criteria provided. Collection method: clinical testing. Allele origin: germline. Not counted in ClinVar's aggregate classification.